The following is an entry in ClinVar:

NM_006231.4(POLE):c.2681G>A (p.Gly894Asp)

Gene: POLE (DNA polymerase epsilon, catalytic subunit; minus strand). Cytogenetic location: 12q24.33.
Variant type: single nucleotide variant.
Coding change: c.2681G>A on transcript NM_006231.4 (MANE Select); coding-DNA position 2681, G replaced by A.
Protein change: p.Gly894Asp; replaces glycine 894 with aspartic acid.
Molecular consequence: missense variant.
Genome position (GRCh38, 1-based): chr12:132,664,029, C>T on the plus strand (G>A on the coding strand, the complement: POLE is on the minus strand). VCF-style: chr12-132664029-C-T. GRCh37 (hg19) VCF-style: chr12-133240615-C-T.
Other names: short protein forms G894D.
Identifiers: ClinVar variation 1462617 (VCV001462617.8), dbSNP rs2042735269, ClinGen allele CA387395119.

ClinVar aggregate classification (germline): Uncertain significance (1 of 4 stars; one submission).

Submission:

Labcorp Genetics (formerly Invitae), Labcorp
Classification: Uncertain significance. Last evaluated: 2021-01-22. Review status: criteria provided, single submitter. Criteria: Invitae Variant Classification Sherloc (09022015). Collection method: clinical testing. Allele origin: germline.
Comment: In summary, the available evidence is currently insufficient to determine the role of this variant in disease. Therefore, it has been classified as a Variant of Uncertain Significance. Algorithms developed to predict the effect of missense changes on protein structure and function are either unavailable or do not agree on the potential impact of this missense change (SIFT: "Tolerated"; PolyPhen-2: "Probably Damaging"; Align-GVGD: "Class C0"). This variant has not been reported in the literature in individuals with POLE-related conditions. This variant is not present in population databases (ExAC no frequency). This sequence change replaces glycine with aspartic acid at codon 894 of the POLE protein (p.Gly894Asp). The glycine residue is highly conserved and there is a moderate physicochemical difference between glycine and aspartic acid.